The following is an entry in ClinVar:

NM_005245.4(FAT1):c.10478C>G (p.Pro3493Arg)

Gene: FAT1 (FAT atypical cadherin 1; minus strand). Cytogenetic location: 4q35.2.
Variant type: single nucleotide variant.
Coding change: c.10478C>G on transcript NM_005245.4 (MANE Select); coding-DNA position 10478, C replaced by G.
Protein change: p.Pro3493Arg; replaces proline 3493 with arginine.
Molecular consequence: missense variant.
Genome position (GRCh38, 1-based): chr4:186,604,447, G>C on the plus strand (C>G on the coding strand, the complement: FAT1 is on the minus strand). VCF-style: chr4-186604447-G-C. GRCh37 (hg19) VCF-style: chr4-187525601-G-C.
Other names: short protein forms P3493R.
Identifiers: ClinVar variation 3600411 (VCV003600411.1).
Genomic context (GRCh38, chr4:186,604,447, plus strand): 5'-AGTAAGTAATGATCTTTCTCCTTCCTCTTGATGGCAGATGATGTCAGGAGGACTCCTTGC[G>C]GGTTAACTTCAAAAGCCTTCTCATCATTTCCAGTTACAATAGTAAAGAAGAAGGGTGGAC-3'
Protein context (NP_005236.2, residues 3483-3503): GNDEKAFEVN[Pro3493Arg]QGVLLTSSAI

ClinVar aggregate classification (germline): Uncertain significance (1 of 4 stars; one submission).

gnomAD v4.1: 10 of 1,613,844 alleles (0.00062%); highest among the groups gnomAD compares: Admixed American, 0.0033%; no homozygotes.

Submission:

Clinical Genomics Laboratory, Washington University in St. Louis
Classification: Uncertain significance. Last evaluated: 2024-08-22. Review status: criteria provided, single submitter. Criteria: ACMG Guidelines, 2015. Collection method: clinical testing. Allele origin: germline.
Comment: A FAT1 c.10478C>G (p.Pro3493Arg) variant was identified. This variant, to our knowledge, has not been reported in the medical literature and is observed on 4/249,228 alleles in the general population (gnomAD v2.1.1), indicating it is not a common variant. Computational predictors suggest that the variant does not impact FAT1 function. Due to limited information and based on ACMG/AMP guidelines for variant interpretation (Richards S et al., PMID: 25741868), the clinical significance of the FAT1 c.10478C>G (p.Pro3493Arg) variant is uncertain at this time.